The following is an entry in ClinVar:

ClinVar aggregate classification (germline): Uncertain significance (1 of 4 stars; one submission).

gnomAD v4.1: 1 of 1,614,048 alleles (0.000062%); highest among the groups gnomAD compares: Admixed American, 0.0017%; no homozygotes.

Submission:

GeneDx
Classification: Uncertain significance. Last evaluated: 2024-07-23. Review status: criteria provided, single submitter. Criteria: GeneDx Variant Classification Process June 2021. Collection method: clinical testing. Allele origin: germline. Affected: yes.
Comment: Not observed at significant frequency in large population cohorts (gnomAD); In silico analysis supports that this missense variant has a deleterious effect on protein structure/function; Has not been previously published as pathogenic or benign to our knowledge

NM_014991.6(WDFY3):c.5309C>T (p.Pro1770Leu)

Gene: WDFY3 (WD repeat and FYVE domain containing 3; minus strand). Cytogenetic location: 4q21.23.
Variant type: single nucleotide variant.
Coding change: c.5309C>T on transcript NM_014991.6 (MANE Select); coding-DNA position 5309, C replaced by T.
Protein change: p.Pro1770Leu; replaces proline 1770 with leucine.
Molecular consequence: missense variant.
Genome position (GRCh38, 1-based): chr4:84,757,041, G>A on the plus strand (C>T on the coding strand, the complement: WDFY3 is on the minus strand). VCF-style: chr4-84757041-G-A. GRCh37 (hg19) VCF-style: chr4-85678194-G-A.
Other names: short protein forms P1770L.
Identifiers: ClinVar variation 3600662 (VCV003600662.1).